The following is an entry in ClinVar:

ClinVar aggregate classification (germline): Likely benign. Review status: criteria provided, multiple submitters, no conflicts (2 of 4 stars). 4 submissions from 4 submitters: Likely benign (3). 1 of the submissions does not count toward it. Last evaluated 2025-10-30.

Conditions:
Junctional epidermolysis bullosa with pyloric atresia. Also called: Epidermolysis bullosa, junctional, with pyloric atresia and aplasia cutis congenita; Epidermolysis bullosa junctionalis with pyloric atresia; APLASIA CUTIS CONGENITA WITH GASTROINTESTINAL ATRESIA; CARMI SYNDROME; EB-PA-ACC; EPIDERMOLYSIS BULLOSA, JUNCTIONAL 5B, WITH PYLORIC ATRESIA. Identifiers: Orphanet 79403, MedGen C5676875, MONDO:0009183, OMIM 226730.
ITGB4-related disorder. Also called: ITGB4-related condition.

Allele frequency attached by ClinVar (database versions not stated): gnomAD 0.00007 and 0.00011; TOPMed 0.00023; ExAC 0.00029; 1000 Genomes Project 30x 0.00078; 1000 Genomes Project 0.00080.
gnomAD v4.1: 154 of 1,614,078 alleles (0.0095%); highest among the groups gnomAD compares: East Asian, 0.31%; no homozygotes.

Submissions (4):

Labcorp Genetics (formerly Invitae), Labcorp
Classification: Likely benign. Last evaluated: 2025-10-30. Review status: criteria provided, single submitter. Criteria: Invitae Variant Classification Sherloc (09022015). Collection method: clinical testing. Allele origin: germline.

CeGaT Center for Human Genetics Tuebingen
Classification: Likely benign. Last evaluated: 2023-02-01. Review status: criteria provided, single submitter. Criteria: CeGaT Center For Human Genetics Tuebingen Variant Classification Criteria Version 2. Collection method: clinical testing. Allele origin: germline. Affected: yes. Observed: 1 variant allele.
Comment: ITGB4: BP4

Illumina Laboratory Services, Illumina
Classification: Likely benign for Junctional epidermolysis bullosa with pyloric atresia. Last evaluated: 2018-01-13. Review status: criteria provided, single submitter. Criteria: ICSL Variant Classification Criteria 13 December 2019. Collection method: clinical testing. Allele origin: germline.
Comment: This variant was observed in the ICSL laboratory as part of a predisposition screen in an ostensibly healthy population. It had not been previously curated by ICSL or reported in the Human Gene Mutation Database (HGMD: prior to June 1st, 2018), and was therefore a candidate for classification through an automated scoring system. Utilizing variant allele frequency, disease prevalence and penetrance estimates, and inheritance mode, an automated score was calculated to assess if this variant is too frequent to cause the disease. Based on the score and internal cut-off values, a variant classified as likely benign is not then subjected to further curation. The score for this variant resulted in a classification of likely benign for this disease.

PreventionGenetics, part of Exact Sciences
Classification: Likely benign for ITGB4-related condition. Last evaluated: 2024-01-29. Review status: no assertion criteria provided. Collection method: clinical testing. Allele origin: germline. Not counted in ClinVar's aggregate classification.
Comment: This variant is classified as likely benign based on ACMG/AMP sequence variant interpretation guidelines (Richards et al. 2015 PMID: 25741868, with internal and published modifications).

NM_000213.5(ITGB4):c.1805A>T (p.His602Leu)

Gene: ITGB4 (integrin subunit beta 4; plus strand). Cytogenetic location: 17q25.1.
Variant type: single nucleotide variant.
Coding change: c.1805A>T on transcript NM_000213.5 (MANE Select); coding-DNA position 1805, A replaced by T.
Protein change: p.His602Leu; replaces histidine 602 with leucine.
Molecular consequence: missense variant.
Genome position (GRCh38, 1-based): chr17:75,736,331, A>T. VCF-style: chr17-75736331-A-T. GRCh37 (hg19) VCF-style: chr17-73732412-A-T.
Other names: c.1805A>T, p.His602Leu (NM_001005619.2, NM_001005731.3, NM_001321123.2); short protein forms H602L.
Identifiers: ClinVar variation 325150 (VCV000325150.37), dbSNP rs201103623, ClinGen allele CA8769135.